The following is an entry in ClinVar:

NM_014679.5(CEP57):c.241C>T (p.Arg81Ter)

Gene: CEP57 (centrosomal protein 57; plus strand). Cytogenetic location: 11q21.
Variant type: single nucleotide variant.
Coding change: c.241C>T on transcript NM_014679.5 (MANE Select); coding-DNA position 241, C replaced by T.
Protein change: p.Arg81Ter; replaces arginine 81 with a stop codon.
Molecular consequence: nonsense.
Genome position (GRCh38, 1-based): chr11:95,812,970, C>T. VCF-style: chr11-95812970-C-T. GRCh37 (hg19) VCF-style: chr11-95546134-C-T.
Other names: c.160C>T, p.Arg54Ter (NM_001363604.2); c.214C>T, p.Arg72Ter (NM_001243776.2); c.241C>T, p.Arg81Ter (NM_001243777.2); short protein forms R81*, R72*, R54*.
Identifiers: ClinVar variation 30692 (VCV000030692.10), dbSNP rs387906977, ClinGen allele CA129400.

ClinVar aggregate classification (germline): Pathogenic. Review status: criteria provided, single submitter (1 of 4 stars). 2 submissions from 2 submitters: Pathogenic (1). 1 of the submissions does not count toward it. Last evaluated 2019-05-21.

Conditions:
Mosaic variegated aneuploidy syndrome 2 (MVA2). Identifiers: Orphanet 1052, MedGen C3279843, MONDO:0013582, OMIM 614114.

Allele frequency attached by ClinVar (database versions not stated): ExAC 0.00001.
gnomAD v4.1: 3 of 1,613,816 alleles (0.00019%); highest among the groups gnomAD compares: Non-Finnish European, 0.00025%; no homozygotes.

Submissions (2):

Labcorp Genetics (formerly Invitae), Labcorp
Classification: Pathogenic for Mosaic variegated aneuploidy syndrome 2. Last evaluated: 2019-05-21. Review status: criteria provided, single submitter. Criteria: Invitae Variant Classification Sherloc (09022015). Collection method: clinical testing. Allele origin: germline.
Comment: For these reasons, this variant has been classified as Pathogenic. Loss-of-function variants in CEP57 are known to be pathogenic (PMID: 21552266, 24259107). This variant has been observed in an individual affected with mosaic variegated aneuploidy syndrome (PMID: 21552266). ClinVar contains an entry for this variant (Variation ID: 30692). This variant is present in population databases (rs387906977, ExAC 0.001%). This sequence change creates a premature translational stop signal (p.Arg81*) in the CEP57 gene. It is expected to result in an absent or disrupted protein product.

OMIM
Classification: Pathogenic for MOSAIC VARIEGATED ANEUPLOIDY SYNDROME 2. Last evaluated: 2011-06-01. Review status: no assertion criteria provided. Collection method: literature only. Allele origin: germline. Not counted in ClinVar's aggregate classification.

Literature cited by the submitters: PubMed 21552266 (cited by Labcorp Genetics (formerly Invitae), Labcorp and OMIM); PubMed 24259107 (cited by Labcorp Genetics (formerly Invitae), Labcorp).